The following is an entry in ClinVar:

ClinVar aggregate classification (germline): Pathogenic (1 of 4 stars; one submission).

Conditions:
Immunodeficiency 19 (IMD19). Also called: CD3-DELTA DEFICIENCY; SEVERE COMBINED IMMUNODEFICIENCY, T CELL-NEGATIVE, B CELL-POSITIVE, NK CELL-POSITIVE; SCID, T CELL-NEGATIVE, B CELL-POSITIVE, NK CELL-POSITIVE; IMMUNODEFICIENCY 19, SEVERE COMBINED. Identifiers: MedGen C3810147, MONDO:0014280, OMIM 615617.

Submission:

Labcorp Genetics (formerly Invitae), Labcorp
Classification: Pathogenic for Immunodeficiency 19. Last evaluated: 2023-10-08. Review status: criteria provided, single submitter. Criteria: Invitae Variant Classification Sherloc (09022015). Collection method: clinical testing. Allele origin: germline.
Comment: This sequence change creates a premature translational stop signal (p.Leu7Serfs*13) in the CD3D gene. It is expected to result in an absent or disrupted protein product. Loss-of-function variants in CD3D are known to be pathogenic (PMID: 14602880, 15546002). This variant is not present in population databases (gnomAD no frequency). This variant has not been reported in the literature in individuals affected with CD3D-related conditions. For these reasons, this variant has been classified as Pathogenic.

Literature cited by the submitters: PubMed 14602880; PubMed 15546002.

NM_000732.6(CD3D):c.15del (p.Leu7fs)

Gene: CD3D (CD3 delta subunit of T-cell receptor complex; minus strand). Cytogenetic location: 11q23.3.
Variant type: Deletion.
Coding change: c.15del on transcript NM_000732.6 (MANE Select); coding-DNA position 15, one base deleted (G; older notation c.15delG).
Protein change: p.Leu7fs; shifts the reading frame from leucine 7.
Molecular consequence: frameshift variant.
Genome position (GRCh38, 1-based): chr11:118,342,593, C deleted on the plus strand (G on the coding strand, the reverse complement: CD3D is on the minus strand). VCF-style (leftmost placement, unchanged base first): chr11-118342592-AC-A. GRCh37 (hg19) VCF-style: chr11-118213307-AC-A.
Other names: c.15del, p.Leu7fs (NM_001040651.2); short protein forms L7fs.
Identifiers: ClinVar variation 2766936 (VCV002766936.3), dbSNP rs2496878023, ClinGen allele CA2697558980.